The following is an entry in ClinVar:

ClinVar aggregate classification (germline): Uncertain significance (1 of 4 stars; one submission).

Conditions:
Autosomal dominant limb-girdle muscular dystrophy type 1F (LGMDD2). Also called: Limb-girdle muscular dystrophy, type 1F; MUSCULAR DYSTROPHY, LIMB-GIRDLE, AUTOSOMAL DOMINANT 2. Identifiers: Orphanet 55595, MedGen C1842062, MONDO:0012034, OMIM 608423.

Submission:

Labcorp Genetics (formerly Invitae), Labcorp
Classification: Uncertain significance for Autosomal dominant limb-girdle muscular dystrophy type 1F. Last evaluated: 2024-03-01. Review status: criteria provided, single submitter. Criteria: Invitae Variant Classification Sherloc (09022015). Collection method: clinical testing. Allele origin: germline.
Comment: This sequence change replaces alanine, which is neutral and non-polar, with threonine, which is neutral and polar, at codon 914 of the TNPO3 protein (p.Ala914Thr). This variant is not present in population databases (gnomAD no frequency). This variant has not been reported in the literature in individuals affected with TNPO3-related conditions. An algorithm developed to predict the effect of missense changes on protein structure and function (PolyPhen-2) suggests that this variant is likely to be disruptive. In summary, the available evidence is currently insufficient to determine the role of this variant in disease. Therefore, it has been classified as a Variant of Uncertain Significance.

NM_012470.4(TNPO3):c.2740G>A (p.Ala914Thr)

Gene: TNPO3 (transportin 3; minus strand). Cytogenetic location: 7q32.1.
Variant type: single nucleotide variant.
Coding change: c.2740G>A on transcript NM_012470.4 (MANE Select); coding-DNA position 2740, G replaced by A.
Protein change: p.Ala914Thr; replaces alanine 914 with threonine.
Molecular consequence: missense variant. On other transcripts: non-coding transcript variant (18), intron variant (2).
Genome position (GRCh38, 1-based): chr7:128,957,287, C>T on the plus strand (G>A on the coding strand, the complement: TNPO3 is on the minus strand). VCF-style: chr7-128957287-C-T. GRCh37 (hg19) VCF-style: chr7-128597341-C-T.
Other names: c.2548G>A, p.Ala850Thr (NM_001191028.3); c.2842G>A, p.Ala948Thr (NM_001382216.1); c.2821G>A, p.Ala941Thr (NM_001382217.1); c.2632G>A, p.Ala878Thr (NM_001382219.1); c.2599G>A, p.Ala867Thr (NM_001382220.1); c.2596G>A, p.Ala866Thr (NM_001382221.1); c.2593G>A, p.Ala865Thr (NM_001382222.1); c.2520-1902G>A (NM_001382223.1); and 1 more; short protein forms A865T, A867T, A948T, A850T, A914T, A941T, A866T, A878T.
Identifiers: ClinVar variation 3642668 (VCV003642668.2).